The following is an entry in ClinVar:

ClinVar aggregate classification (germline): Uncertain significance. Review status: criteria provided, multiple submitters, no conflicts (2 of 4 stars). 2 submissions from 2 submitters: Uncertain significance (2). Last evaluated 2024-10-12.

Conditions:
Leigh syndrome (NULS). Also called: Leigh's necrotizing encephalopathy; Leigh's disease; Leigh Syndrome (mtDNA deletion); Leigh's syndrome; Leigh Disease; LEIGH SYNDROME, NUCLEAR. Identifiers: Orphanet 506, MedGen C2931891, MONDO:0009723, OMIM 256000.
Inborn genetic diseases. Identifiers: MedGen C0950123, MeSH D030342.

Allele frequency attached by ClinVar (database versions not stated): gnomAD 0.00001; gnomAD exomes 0.00001; TOPMed 0.00001.

Submissions (2):

Ambry Genetics
Classification: Uncertain significance for Inborn genetic diseases. Last evaluated: 2024-10-12. Review status: criteria provided, single submitter. Criteria: Ambry Variant Classification Scheme 2023. Collection method: clinical testing. Allele origin: germline.

Labcorp Genetics (formerly Invitae), Labcorp
Classification: Uncertain significance for Leigh syndrome. Last evaluated: 2021-10-06. Review status: criteria provided, single submitter. Criteria: Invitae Variant Classification Sherloc (09022015). Collection method: clinical testing. Allele origin: germline.
Comment: This sequence change replaces glycine with serine at codon 150 of the SURF1 protein (p.Gly150Ser). The glycine residue is moderately conserved and there is a small physicochemical difference between glycine and serine. This variant is not present in population databases (ExAC no frequency). This variant has not been reported in the literature in individuals affected with SURF1-related conditions. Algorithms developed to predict the effect of missense changes on protein structure and function output the following: SIFT: "Tolerated"; PolyPhen-2: "Benign"; Align-GVGD: "Class C0". The serine amino acid residue is found in multiple mammalian species, which suggests that this missense change does not adversely affect protein function. In summary, the available evidence is currently insufficient to determine the role of this variant in disease. Therefore, it has been classified as a Variant of Uncertain Significance.

NM_003172.4(SURF1):c.448G>A (p.Gly150Ser)

Gene: SURF1 (SURF1 cytochrome c oxidase assembly factor; minus strand). Cytogenetic location: 9q34.2.
Variant type: single nucleotide variant.
Coding change: c.448G>A on transcript NM_003172.4 (MANE Select); coding-DNA position 448, G replaced by A.
Protein change: p.Gly150Ser; replaces glycine 150 with serine.
Molecular consequence: missense variant.
Genome position (GRCh38, 1-based): chr9:133,353,816, C>T on the plus strand (G>A on the coding strand, the complement: SURF1 is on the minus strand). VCF-style: chr9-133353816-C-T. GRCh37 (hg19) VCF-style: chr9-136220671-C-T.
Other names: c.448G>A (NM_003172.2); c.121G>A, p.Gly41Ser (NM_001280787.1); short protein forms G150S, G41S.
Identifiers: ClinVar variation 1470871 (VCV001470871.4), dbSNP rs1371101979, ClinGen allele CA375694258.